The following is an entry in ClinVar:

ClinVar aggregate classification (germline): Uncertain significance. Review status: criteria provided, multiple submitters, no conflicts (2 of 4 stars). 2 submissions from 2 submitters: Uncertain significance (2). Last evaluated 2026-06-01.

Conditions:
Inborn genetic diseases. Identifiers: MedGen C0950123, MeSH D030342.

Submissions (2):

Ambry Genetics
Classification: Uncertain significance for Inborn genetic diseases. Last evaluated: 2026-06-01. Review status: criteria provided, single submitter. Criteria: Ambry Variant Classification Scheme 2023. Collection method: clinical testing. Allele origin: germline.
Comment: The p.M888V variant (also known as c.2662A>G), located in coding exon 1 of the SAMD9 gene, results from an A to G substitution at nucleotide position 2662. The methionine at codon 888 is replaced by valine, an amino acid with highly similar properties. This amino acid position is conserved. In addition, this alteration is predicted to be tolerated by in silico analysis. Based on the available evidence, the clinical significance of this variant remains unclear.

Labcorp Genetics (formerly Invitae), Labcorp
Classification: Uncertain significance. Last evaluated: 2024-09-19. Review status: criteria provided, single submitter. Criteria: Invitae Variant Classification Sherloc (09022015). Collection method: clinical testing. Allele origin: germline.
Comment: This sequence change replaces methionine, which is neutral and non-polar, with valine, which is neutral and non-polar, at codon 888 of the SAMD9 protein (p.Met888Val). This variant is not present in population databases (gnomAD no frequency). This variant has not been reported in the literature in individuals affected with SAMD9-related conditions. An algorithm developed to predict the effect of missense changes on protein structure and function outputs the following: PolyPhen-2: "Benign". The valine amino acid residue is found in multiple mammalian species, which suggests that this missense change does not adversely affect protein function. In summary, the available evidence is currently insufficient to determine the role of this variant in disease. Therefore, it has been classified as a Variant of Uncertain Significance.

NM_017654.4(SAMD9):c.2662A>G (p.Met888Val)

Gene: SAMD9 (sterile alpha motif domain containing 9; minus strand). Cytogenetic location: 7q21.2.
Variant type: single nucleotide variant.
Coding change: c.2662A>G on transcript NM_017654.4 (MANE Select); coding-DNA position 2662, A replaced by G.
Protein change: p.Met888Val; replaces methionine 888 with valine.
Molecular consequence: missense variant.
Genome position (GRCh38, 1-based): chr7:93,103,436, T>C on the plus strand (A>G on the coding strand, the complement: SAMD9 is on the minus strand). VCF-style: chr7-93103436-T-C. GRCh37 (hg19) VCF-style: chr7-92732749-T-C.
Other names: c.2662A>G, p.Met888Val (NM_001193307.2); c.2662A>G (NM_017654.3); short protein forms M888V.
Identifiers: ClinVar variation 3689226 (VCV003689226.3).